The following is an entry in ClinVar:

ClinVar aggregate classification (germline): Pathogenic/Likely pathogenic. Review status: criteria provided, multiple submitters, no conflicts (2 of 4 stars). 2 submissions from 2 submitters: Pathogenic (1); Likely pathogenic (1). Last evaluated 2026-07-01.

Conditions:
Hematuria, benign familial, 1 (BFH1). Also called: THIN MEMBRANE NEPHROPATHY. Identifiers: MedGen CN376803, MONDO:0007709, OMIM 141200.
Autosomal recessive Alport syndrome (ATS2). Also called: Alport syndrome type 2; COL4A3-Related Nephropathy; ALPORT SYNDROME 2, AUTOSOMAL RECESSIVE; COL4A4 Alport Syndrome and Thin Basement Membrane Nephropathy. Identifiers: Orphanet 63, Orphanet 88919, MedGen C4746745, MONDO:0008762, OMIM 203780.
Alport syndrome. Also called: Hemorrhagic familial nephritis; Hemorrhagic hereditary nephritis; Congenital hereditary hematuria. Identifiers: Orphanet 63, MedGen C1567741, MONDO:0018965.

gnomAD v4.1: 2 of 1,613,670 alleles (0.00012%); highest among the groups gnomAD compares: Non-Finnish European, 0.000085%; no homozygotes.

Submissions (2):

Myriad Genetics, Inc.
Classification: Pathogenic for Alport syndrome. Last evaluated: 2026-07-01. Review status: criteria provided, single submitter. Criteria: Myriad Autosomal Dominant, Autosomal Recessive and X-Linked Classification Criteria (2023). Collection method: clinical testing. Allele origin: unknown.
Comment: NM_000092.4(COL4A4):c.1415G>A(G472D) is a missense variant classified as pathogenic in the context of Alport syndrome, COL4A4-related. G472D has been observed in cases with relevant disease (PMID: 38433557, 39540369). Relevant functional assessments of this variant are not available in the literature. Internal structural analysis of the variant is supportive of pathogenicity. G472D has not been observed in referenced population frequency databases. In summary, NM_000092.4(COL4A4):c.1415G>A(G472D) is a missense variant that has internal structural support for pathogenicity and has been observed more frequently in cases with the relevant disease than in healthy populations. Please note: this variant was assessed in the context of healthy population screening.

Juno Genomics, Hangzhou Juno Genomics, Inc
Classification: Likely pathogenic for Hematuria, benign familial, 1; Autosomal recessive Alport syndrome. Review status: criteria provided, single submitter. Criteria: ACMG Guidelines, 2015. Collection method: clinical testing. Allele origin: germline.
Comment: Absent from controls (or at extremely low frequency if recessive) in Genome Aggregation Database.;Multiple lines of computational evidence support a deleterious effect on the gene or gene product.;Patient's phenotype or family history is highly specific for a disease with a single genetic etiology.

Literature cited by the submitters: PubMed 38433557 (cited by Myriad Genetics, Inc.); PubMed 39540369 (cited by Myriad Genetics, Inc.).

NM_000092.5(COL4A4):c.1415G>A (p.Gly472Asp)

Gene: COL4A4 (collagen type IV alpha 4 chain; minus strand). Cytogenetic location: 2q36.3.
Variant type: single nucleotide variant.
Coding change: c.1415G>A on transcript NM_000092.5 (MANE Select); coding-DNA position 1415, G replaced by A.
Protein change: p.Gly472Asp; replaces glycine 472 with aspartic acid.
Molecular consequence: missense variant.
Genome position (GRCh38, 1-based): chr2:227,089,912, C>T on the plus strand (G>A on the coding strand, the complement: COL4A4 is on the minus strand). VCF-style: chr2-227089912-C-T. GRCh37 (hg19) VCF-style: chr2-227954628-C-T.
Other names: short protein forms G472D.
Identifiers: ClinVar variation 5003594 (VCV005003594.2).
Genomic context (GRCh38, chr2:227,089,912, plus strand): 5'-TTTGGTGCCTACTTGCCTTTTTCTCCTTTTGGGCCTCTTCCTCCTGGGGGACCAACTTTG[C>T]CTTTTATTCCTTGTGGTCCGGGGTTCCCAACACTACAGTATATCACTGTCAAGGAGGTAA-3'
Protein context (NP_000083.3, residues 462-482): VGNPGPQGIK[Gly472Asp]KVGPPGGRGP